The following is an entry in ClinVar:

ClinVar aggregate classification (germline): Conflicting classifications of pathogenicity. Review status: criteria provided, conflicting classifications (1 of 4 stars). 4 submissions from 4 submitters: Uncertain significance (1); Likely benign (2). 1 of the submissions does not count toward it. Last evaluated 2025-11-27.

Conditions:
MFRP-related disorder. Also called: MFRP-related disorders; MFRP-related condition.
Isolated microphthalmia 5. Also called: Posterior Microphthalmia with Retinitis Pigmentosa, Foveoschisis, and Optic Disc Drusen. Identifiers: Orphanet 251279, MedGen C1970236, MONDO:0012605, OMIM 611040.

Allele frequency attached by ClinVar (database versions not stated): gnomAD exomes 0.00015 and 0.00009; TOPMed 0.00018; 1000 Genomes Project 0.00020; gnomAD 0.00011 and 0.00009; ExAC 0.00024; 1000 Genomes Project 30x 0.00031; ESP Exome Variant Server 0.00023.
gnomAD v4.1: 150 of 1,588,408 alleles (0.0094%); highest among the groups gnomAD compares: Middle Eastern, 0.033%; no homozygotes.

Submissions (4):

Labcorp Genetics (formerly Invitae), Labcorp
Classification: Likely benign for Isolated microphthalmia 5. Last evaluated: 2025-11-27. Review status: criteria provided, single submitter. Criteria: Invitae Variant Classification Sherloc (09022015). Collection method: clinical testing. Allele origin: germline.

Blueprint Genetics
Classification: Likely benign. Last evaluated: 2024-09-18. Review status: criteria provided, single submitter. Criteria: ACMG Guidelines, 2015. Collection method: clinical testing. Allele origin: germline.

Eurofins Ntd Llc (ga)
Classification: Uncertain significance. Last evaluated: 2014-10-21. Review status: criteria provided, single submitter. Criteria: EGL Classification Definitions 2015. Collection method: clinical testing. Allele origin: germline. Observed: 1 variant allele, 1 heterozygote.

PreventionGenetics, part of Exact Sciences
Classification: Likely benign for MFRP-related condition. Last evaluated: 2019-05-09. Review status: no assertion criteria provided. Collection method: clinical testing. Allele origin: germline. Not counted in ClinVar's aggregate classification.
Comment: This variant is classified as likely benign based on ACMG/AMP sequence variant interpretation guidelines (Richards et al. 2015 PMID: 25741868, with internal and published modifications).

NM_031433.4(MFRP):c.159T>C (p.Gly53=)

Genes: C1QTNF5 (C1q and TNF related 5; minus strand), MFRP (membrane frizzled-related protein; minus strand). Cytogenetic location: 11q23.3.
Variant type: single nucleotide variant.
Coding change: c.159T>C on transcript NM_031433.4 (MANE Select); coding-DNA position 159, T replaced by C.
Protein change: p.Gly53=; no amino-acid change (glycine 53 retained).
Molecular consequence: synonymous variant. On other transcripts: 5 prime UTR variant (1).
Genome position (GRCh38, 1-based): chr11:119,346,158, A>G on the plus strand (T>C on the coding strand, the complement: MFRP is on the minus strand). VCF-style: chr11-119346158-A-G. GRCh37 (hg19) VCF-style: chr11-119216868-A-G.
Other names: c.-2478T>C (NM_015645.5).
Identifiers: ClinVar variation 196561 (VCV000196561.20), dbSNP rs372897338, ClinGen allele CA017290.